The following is an entry in ClinVar:

NM_001174147.2(LMX1B):c.755T>G (p.Leu252Arg)

Gene: LMX1B (LIM homeobox transcription factor 1 beta; plus strand). Cytogenetic location: 9q33.3.
Variant type: single nucleotide variant.
Coding change: c.755T>G on transcript NM_001174147.2 (MANE Select); coding-DNA position 755, T replaced by G.
Protein change: p.Leu252Arg; replaces leucine 252 with arginine.
Molecular consequence: missense variant.
Genome position (GRCh38, 1-based): chr9:126,693,537, T>G. VCF-style: chr9-126693537-T-G. GRCh37 (hg19) VCF-style: chr9-129455816-T-G.
Other names: c.755T>G, p.Leu252Arg (NM_001174146.2, NM_002316.4); short protein forms L252R.
Identifiers: ClinVar variation 4818742 (VCV004818742.1).

ClinVar aggregate classification (germline): Likely pathogenic (1 of 4 stars; one submission).

Conditions:
Nail-patella syndrome (NPS). Also called: ONYCHOOSTEODYSPLASIA; TURNER-KIESER SYNDROME; FONG DISEASE. Identifiers: Orphanet 2614, MedGen C0027341, MONDO:0008061, OMIM 161200.

Submission:

Laboratorio de Genética, Hospital Universitario Reina Sofía
Classification: Likely pathogenic for Nail-patella syndrome. Review status: criteria provided, single submitter. Criteria: ACMG Guidelines, 2015. Collection method: clinical testing. Allele origin: germline. Inheritance: Autosomal dominant inheritance. Affected: yes.
Comment: The LNX1B c.755T>G (p.Leu252Arg) variant is classified as Likely Pathogenic based on multiple ACMG/AMP criteria. It affects a highly conserved residue within a critical functional domain (PM1, Moderate), is absent from population databases such as gnomAD and ExAC (PM2, Moderate), and other pathogenic missense variants have been reported at the same amino acid residue (PM5, Moderate), indicating functional importance. Missense variants in LNX1B are a known mechanism of disease and the gene shows low tolerance to such variation (PP2, Supporting). Additionally, multiple in silico prediction tools consistently indicate a deleterious effect on the protein (PP3, Supporting). Taken together, the combination of 3 Moderate and 2 Supporting criteria supports a Likely Pathogenic classification.